The following is an entry in ClinVar:

NM_080732.4(EGLN2):c.400C>T (p.Arg134Trp)

Genes: EGLN2 (egl-9 family hypoxia inducible factor 2; plus strand), RAB4B-EGLN2 (RAB4B-EGLN2 readthrough (NMD candidate); plus strand). Cytogenetic location: 19q13.2.
Variant type: single nucleotide variant.
Coding change: c.400C>T on transcript NM_080732.4 (MANE Select); coding-DNA position 400, C replaced by T.
Protein change: p.Arg134Trp; replaces arginine 134 with tryptophan.
Molecular consequence: missense variant. On other transcripts: non-coding transcript variant (1).
Genome position (GRCh38, 1-based): chr19:40,800,972, C>T. VCF-style: chr19-40800972-C-T. GRCh37 (hg19) VCF-style: chr19-41306877-C-T.
Other names: c.400C>T, p.Arg134Trp (NM_053046.4); short protein forms R134W.
Identifiers: ClinVar variation 1737001 (VCV001737001.3), dbSNP rs770957227, ClinGen allele CA9452208.

ClinVar aggregate classification (germline): Uncertain significance (1 of 4 stars; one submission).

Allele frequency attached by ClinVar (database versions not stated): ExAC 0.00001; gnomAD 0.00001; gnomAD exomes 0.00001; TOPMed 0.00001.

Submission:

Ambry Genetics
Classification: Uncertain significance. Last evaluated: 2023-07-27. Review status: criteria provided, single submitter. Criteria: Ambry Variant Classification Scheme 2023. Collection method: clinical testing. Allele origin: germline.
Comment: The p.R134W variant (also known as c.400C>T), located in coding exon 1 of the EGLN2 gene, results from a C to T substitution at nucleotide position 400. The arginine at codon 134 is replaced by tryptophan, an amino acid with dissimilar properties. This amino acid position is conserved. In addition, this alteration is predicted to be tolerated by in silico analysis. Since supporting evidence is limited at this time, the clinical significance of this alteration remains unclear.